The following is an entry in ClinVar:

NM_016239.4(MYO15A):c.10465C>T (p.Arg3489Cys)

Gene: MYO15A (myosin XVA; plus strand). Cytogenetic location: 17p11.2.
Variant type: single nucleotide variant.
Coding change: c.10465C>T on transcript NM_016239.4 (MANE Select); coding-DNA position 10465, C replaced by T.
Protein change: p.Arg3489Cys; replaces arginine 3489 with cysteine.
Molecular consequence: missense variant.
Genome position (GRCh38, 1-based): chr17:18,173,895, C>T. VCF-style: chr17-18173895-C-T. GRCh37 (hg19) VCF-style: chr17-18077209-C-T.
Other names: short protein forms R3489C.
Identifiers: ClinVar variation 2365382 (VCV002365382.3), dbSNP rs770323358, ClinGen allele CA8425948.

ClinVar aggregate classification (germline): Uncertain significance. Review status: criteria provided, multiple submitters, no conflicts (2 of 4 stars). 2 submissions from 2 submitters: Uncertain significance (2). Last evaluated 2023-01-12.

Conditions:
Inborn genetic diseases. Identifiers: MedGen C0950123, MeSH D030342.

Allele frequency attached by ClinVar (database versions not stated): TOPMed below 0.00001; gnomAD 0.00001.
gnomAD v4.1: 28 of 1,612,784 alleles (0.0017%); highest among the groups gnomAD compares: Admixed American, 0.0033%; no homozygotes.

Submissions (2):

GeneDx
Classification: Uncertain significance. Last evaluated: 2023-01-12. Review status: criteria provided, single submitter. Criteria: GeneDx Variant Classification Process June 2021. Collection method: clinical testing. Allele origin: germline. Affected: yes.
Comment: Not observed at significant frequency in large population cohorts (gnomAD); In silico analysis supports that this missense variant has a deleterious effect on protein structure/function; Has not been previously published as pathogenic or benign to our knowledge

Ambry Genetics
Classification: Uncertain significance for Inborn genetic diseases. Last evaluated: 2022-10-04. Review status: criteria provided, single submitter. Criteria: Ambry Variant Classification Scheme 2023. Collection method: clinical testing. Allele origin: germline.